The following is an entry in ClinVar:

ClinVar aggregate classification (germline): Uncertain significance (1 of 4 stars; one submission).

Conditions:
Cardiovascular phenotype. Identifiers: MedGen CN230736.

Submission:

Ambry Genetics
Classification: Uncertain significance for Cardiovascular phenotype. Last evaluated: 2022-11-19. Review status: criteria provided, single submitter. Criteria: Ambry Variant Classification Scheme 2023. Collection method: clinical testing. Allele origin: germline.
Comment: The p.N16H variant (also known as c.46A>C), located in coding exon 1 of the TBX20 gene, results from an A to C substitution at nucleotide position 46. The asparagine at codon 16 is replaced by histidine, an amino acid with similar properties. This amino acid position is conserved. In addition, the in silico prediction for this alteration is inconclusive. Since supporting evidence is limited at this time, the clinical significance of this alteration remains unclear.

NM_001077653.2(TBX20):c.46A>C (p.Asn16His)

Gene: TBX20 (T-box transcription factor 20; minus strand). Cytogenetic location: 7p14.2.
Variant type: single nucleotide variant.
Coding change: c.46A>C on transcript NM_001077653.2 (MANE Select); coding-DNA position 46, A replaced by C.
Protein change: p.Asn16His; replaces asparagine 16 with histidine.
Molecular consequence: missense variant.
Genome position (GRCh38, 1-based): chr7:35,253,575, T>G on the plus strand (A>C on the coding strand, the complement: TBX20 is on the minus strand). VCF-style: chr7-35253575-T-G. GRCh37 (hg19) VCF-style: chr7-35293186-T-G.
Other names: c.46A>C, p.Asn16His (NM_001166220.1); short protein forms N16H.
Identifiers: ClinVar variation 2450711 (VCV002450711.2), dbSNP rs2546999465, ClinGen allele CA367265625.